The following is an entry in ClinVar:

NM_001844.5(COL2A1):c.2159G>A (p.Gly720Asp)

Gene: COL2A1 (collagen type II alpha 1 chain; minus strand). Cytogenetic location: 12q13.11.
Variant type: single nucleotide variant.
Coding change: c.2159G>A on transcript NM_001844.5 (MANE Select); coding-DNA position 2159, G replaced by A.
Protein change: p.Gly720Asp; replaces glycine 720 with aspartic acid.
Molecular consequence: missense variant.
Genome position (GRCh38, 1-based): chr12:47,982,882, C>T on the plus strand (G>A on the coding strand, the complement: COL2A1 is on the minus strand). VCF-style: chr12-47982882-C-T. GRCh37 (hg19) VCF-style: chr12-48376665-C-T.
Other names: c.1952G>A, p.Gly651Asp (NM_033150.3); short protein forms G720D, G651D.
Identifiers: ClinVar variation 498869 (VCV000498869.15), dbSNP rs1555166528, ClinGen allele CA384546968.

ClinVar aggregate classification (germline): Pathogenic/Likely pathogenic. Review status: criteria provided, multiple submitters, no conflicts (2 of 4 stars). 2 submissions from 2 submitters: Pathogenic (1); Likely pathogenic (1). Last evaluated 2022-08-23.

Submissions (2):

Labcorp Genetics (formerly Invitae), Labcorp
Classification: Pathogenic. Last evaluated: 2022-08-23. Review status: criteria provided, single submitter. Criteria: Invitae Variant Classification Sherloc (09022015). Collection method: clinical testing. Allele origin: germline.
Comment: This variant is not present in population databases (gnomAD no frequency). This sequence change replaces glycine, which is neutral and non-polar, with aspartic acid, which is acidic and polar, at codon 720 of the COL2A1 protein (p.Gly720Asp). This missense change has been observed in individual(s) with clinical features of COL2A1-related conditions (Invitae). In at least one individual the variant was observed to be de novo. For these reasons, this variant has been classified as Pathogenic. This variant disrupts the triple helix domain of COL2A1. Glycine residues within the Gly-Xaa-Yaa repeats of the triple helix domain are required for the structure and stability of fibrillar collagens (PMID: 7695699, 8218237, 19344236). In COL2A1, variants affecting these glycine residues are significantly enriched in individuals with disease (PMID: 9016532, 17078022) compared to the general population (ExAC). Advanced modeling of protein sequence and biophysical properties (such as structural, functional, and spatial information, amino acid conservation, physicochemical variation, residue mobility, and thermodynamic stability) performed at Invitae indicates that this missense variant is expected to disrupt COL2A1 protein function. ClinVar contains an entry for this variant (Variation ID: 498869).

Eurofins Ntd Llc (ga)
Classification: Likely pathogenic. Last evaluated: 2017-01-06. Review status: criteria provided, single submitter. Criteria: EGL Classification Definitions 2015. Collection method: clinical testing. Allele origin: germline. Observed: 1 variant allele, 1 heterozygote.

Literature cited by the submitters: PubMed 7695699 (cited by Labcorp Genetics (formerly Invitae), Labcorp); PubMed 8218237 (cited by Labcorp Genetics (formerly Invitae), Labcorp); PubMed 19344236 (cited by Labcorp Genetics (formerly Invitae), Labcorp); PubMed 9016532 (cited by Labcorp Genetics (formerly Invitae), Labcorp); PubMed 17078022 (cited by Labcorp Genetics (formerly Invitae), Labcorp).